The following is an entry in ClinVar:

NM_004984.4(KIF5A):c.3002del (p.Thr1001fs)

Gene: KIF5A (kinesin family member 5A; plus strand). Cytogenetic location: 12q13.3.
Variant type: Deletion.
Coding change: c.3002del on transcript NM_004984.4 (MANE Select); coding-DNA position 3002, one base deleted (C; older notation c.3002delC).
Protein change: p.Thr1001fs; shifts the reading frame from threonine 1001.
Molecular consequence: frameshift variant.
Genome position (GRCh38, 1-based): chr12:57,582,611, C deleted. VCF-style (leftmost placement, unchanged base first): chr12-57582610-AC-A. GRCh37 (hg19) VCF-style: chr12-57976393-AC-A.
Other names: c.2735del, p.Thr912fs (NM_001354705.2); short protein forms T1001fs, T912fs.
Identifiers: ClinVar variation 2089159 (VCV002089159.4), dbSNP rs2540517255, ClinGen allele CA2580086597.

ClinVar aggregate classification (germline): Uncertain significance (1 of 4 stars; one submission).

Conditions:
Spastic paraplegia. Identifiers: MedGen C0037772, HP:0001258.

Submission:

Labcorp Genetics (formerly Invitae), Labcorp
Classification: Uncertain significance for Spastic paraplegia. Last evaluated: 2022-01-23. Review status: criteria provided, single submitter. Criteria: Invitae Variant Classification Sherloc (09022015). Collection method: clinical testing. Allele origin: germline.
Comment: In summary, the available evidence is currently insufficient to determine the role of this variant in disease. Therefore, it has been classified as a Variant of Uncertain Significance. Experimental studies and prediction algorithms are not available or were not evaluated, and the functional significance of this variant is currently unknown. This variant has not been reported in the literature in individuals affected with KIF5A-related conditions. This variant is not present in population databases (gnomAD no frequency). This sequence change results in a frameshift in the KIF5A gene (p.Thr1001Lysfs*47). While this is not anticipated to result in nonsense mediated decay, it is expected to disrupt the last 32 amino acid(s) of the KIF5A protein and extend the protein by 14 additional amino acid residues.